The following is an entry in ClinVar:

ClinVar aggregate classification (germline): Uncertain significance (1 of 4 stars; one submission).

Submission:

Labcorp Genetics (formerly Invitae), Labcorp
Classification: Uncertain significance. Last evaluated: 2022-07-30. Review status: criteria provided, single submitter. Criteria: Invitae Variant Classification Sherloc (09022015). Collection method: clinical testing. Allele origin: germline.
Comment: In summary, the available evidence is currently insufficient to determine the role of this variant in disease. Therefore, it has been classified as a Variant of Uncertain Significance. This variant has not been reported in the literature in individuals affected with SLC25A32-related conditions. This variant is not present in population databases (gnomAD no frequency). This sequence change creates a premature translational stop signal (p.Trp96Glyfs*23) in the SLC25A32 gene. It is expected to result in an absent or disrupted protein product. However, the current clinical and genetic evidence is not sufficient to establish whether loss-of-function variants in SLC25A32 cause disease.

NM_030780.5(SLC25A32):c.285del (p.Trp96fs)

Gene: SLC25A32 (solute carrier family 25 member 32; minus strand). Cytogenetic location: 8q22.3.
Variant type: Deletion.
Coding change: c.285del on transcript NM_030780.5 (MANE Select); coding-DNA position 285, one base deleted (C; older notation c.285delC).
Protein change: p.Trp96fs; shifts the reading frame from tryptophan 96.
Molecular consequence: frameshift variant. On other transcripts: non-coding transcript variant (2).
Genome position (GRCh38, 1-based): chr8:103,407,654, G deleted on the plus strand (C on the coding strand, the reverse complement: SLC25A32 is on the minus strand); the first of 2 consecutive G bases (chr8:103,407,654-103,407,655); deleting either gives the same sequence. VCF-style (leftmost placement, unchanged base first): chr8-103407653-AG-A. GRCh37 (hg19) VCF-style: chr8-104419881-AG-A.
Other names: short protein forms W96fs.
Identifiers: ClinVar variation 2020575 (VCV002020575.4), dbSNP rs2488199797, ClinGen allele CA2580078511.